The following is an entry in ClinVar:

NM_000535.7(PMS2):c.778_781del (p.Ser260fs)

Gene: PMS2 (PMS1 homolog 2, mismatch repair system component; minus strand). Cytogenetic location: 7p22.1.
Variant type: Deletion.
Coding change: c.778_781del on transcript NM_000535.7 (MANE Select); coding-DNA positions 778 to 781, 4 bases deleted (TCCG; older notation c.778_781delTCCG).
Protein change: p.Ser260fs; shifts the reading frame from serine 260.
Molecular consequence: frameshift variant. On other transcripts: 5 prime UTR variant (2), non-coding transcript variant (1), intron variant (3).
Genome position (GRCh38, 1-based): chr7:5,997,348-5,997,351, CGGA deleted on the plus strand (TCCG on the coding strand, the reverse complement: PMS2 is on the minus strand). VCF-style (leftmost placement, unchanged base first): chr7-5997347-TCGGA-T. GRCh37 (hg19) VCF-style: chr7-6036978-TCGGA-T.
Other names: c.373_376delTCCG, p.Ser125Metfs (NM_001018040.1); c.373_376del, p.Ser125fs (NM_001322003.2, NM_001322004.2, NM_001322005.2 and 19 more transcripts); c.778_781del, p.Ser260fs (NM_001322006.2, NM_001322014.2, NM_001406870.1 and 3 more transcripts); c.460_463del, p.Ser154fs (NM_001322007.2, NM_001322008.2, NM_001406876.1 and 4 more transcripts); c.-156_-153del (NM_001322011.2, NM_001322012.2); c.205_208del, p.Ser69fs (NM_001322013.2, NM_001406909.1); c.469_472del, p.Ser157fs (NM_001322015.2, NM_001406875.1, NM_001406877.1 and 6 more transcripts); c.964_967del, p.Ser322fs (NM_001406866.1); and 8 more; short protein forms S148fs, S204fs, S224fs, S69fs, S154fs, S260fs, S268fs, S89fs.
Identifiers: ClinVar variation 2451601 (VCV002451601.3), dbSNP rs2536219337, ClinGen allele CA2580076857.

ClinVar aggregate classification (germline): Pathogenic/Likely pathogenic. Review status: criteria provided, multiple submitters, no conflicts (2 of 4 stars). 2 submissions from 2 submitters: Pathogenic (1); Likely pathogenic (1). Last evaluated 2024-05-10.

Conditions:
Hereditary cancer-predisposing syndrome. Also called: Neoplastic Syndromes, Hereditary; Tumor predisposition; Hereditary neoplastic syndrome; Hereditary Cancer Syndrome. Identifiers: Orphanet 140162, MedGen C0027672, MeSH D009386, MONDO:0015356.
Mismatch repair cancer syndrome 4. Identifiers: MedGen C5436817, MONDO:0030843, OMIM 619101.
Lynch syndrome 4 (LYNCH4). Also called: Colorectal cancer, hereditary nonpolyposis, type 4; Hereditary non-polyposis colorectal cancer, type 4. Identifiers: Orphanet 144, MedGen C1838333, MONDO:0013699, OMIM 614337. Disease mechanism: loss of function.

Submissions (2):

Fulgent Genetics
Classification: Likely pathogenic for Lynch syndrome 4; Mismatch repair cancer syndrome 4. Last evaluated: 2024-05-10. Review status: criteria provided, single submitter. Criteria: ACMG Guidelines, 2015. Collection method: clinical testing. Allele origin: germline.

Ambry Genetics
Classification: Pathogenic for Hereditary cancer-predisposing syndrome. Last evaluated: 2023-01-13. Review status: criteria provided, single submitter. Criteria: Ambry Variant Classification Scheme 2023. Collection method: clinical testing. Allele origin: germline.
Comment: The c.778_781delTCCG pathogenic mutation, located in coding exon 7 of the PMS2 gene, results from a deletion of 4 nucleotides at nucleotide positions 778 to 781, causing a translational frameshift with a predicted alternate stop codon (p.S260Mfs*46). This variant is considered to be rare based on population cohorts in the Genome Aggregation Database (gnomAD). This alteration is expected to result in loss of function by premature protein truncation or nonsense-mediated mRNA decay. As such, this alteration is interpreted as a disease-causing mutation.